The following is an entry in ClinVar:

NC_000015.9:g.(?_90195814)_(90196161_?)del

Gene: KIF7 (kinesin family member 7; minus strand). Cytogenetic location: 15q26.1.
Variant type: Deletion.
Identifiers: ClinVar variation 3243774 (VCV003243774.1).

ClinVar aggregate classification (germline): Pathogenic (1 of 4 stars; one submission).

Conditions:
Acrocallosal syndrome (ACLS). Also called: HALLUX DUPLICATION, POSTAXIAL POLYDACTYLY, AND ABSENCE OF CORPUS CALLOSUM; Schinzel syndrome 1; Absence of corpus callosum with unusual facial appearance, mental deficiency, duplication of the halluces and polydactyly. Identifiers: Orphanet 36, MedGen C0796147, MONDO:0008708, OMIM 200990.

Submission:

Labcorp Genetics (formerly Invitae), Labcorp
Classification: Pathogenic for Acrocallosal syndrome. Last evaluated: 2023-06-25. Review status: criteria provided, single submitter. Criteria: Invitae Variant Classification Sherloc (09022015). Collection method: clinical testing. Allele origin: unknown.
Comment: For these reasons, this variant has been classified as Pathogenic. This variant has not been reported in the literature in individuals affected with KIF7-related conditions. This variant is a gross deletion of the genomic region encompassing exon(s) 2 of the KIF7 gene, which includes the initiator codon. This deletion extends beyond the assayed region for this gene and therefore may encompass additional genes. It is expected to result in an absent or disrupted protein product. Loss-of-function variants in KIF7 are known to be pathogenic (PMID: 19666503, 21552264, 21633164, 26648833).

Literature cited by the submitters: PubMed 19666503; PubMed 21552264; PubMed 21633164; PubMed 26648833.